The following is an entry in ClinVar:

NM_170707.4(LMNA):c.340A>C (p.Lys114Gln)

Gene: LMNA (lamin A/C; plus strand). Cytogenetic location: 1q22.
Variant type: single nucleotide variant.
Coding change: c.340A>C on transcript NM_170707.4 (MANE Select); coding-DNA position 340, A replaced by C.
Protein change: p.Lys114Gln; replaces lysine 114 with glutamine.
Molecular consequence: missense variant.
Genome position (GRCh38, 1-based): chr1:156,115,258, A>C. VCF-style: chr1-156115258-A-C. GRCh37 (hg19) VCF-style: chr1-156085049-A-C.
Other names: c.340A>C, p.Lys114Gln (NM_001282625.2, NM_001282626.2, NM_005572.4 and 1 more transcripts); short protein forms K114Q.
Identifiers: ClinVar variation 1436689 (VCV001436689.8), dbSNP rs767902515, ClinGen allele CA342808876.

ClinVar aggregate classification (germline): Uncertain significance (1 of 4 stars; one submission).

Conditions:
Charcot-Marie-Tooth disease type 2. Also called: Charcot-Marie-Tooth type 2. Identifiers: Orphanet 64746, MedGen C0270914, MONDO:0018993.

Submission:

Labcorp Genetics (formerly Invitae), Labcorp
Classification: Uncertain significance for Charcot-Marie-Tooth disease type 2. Last evaluated: 2021-03-01. Review status: criteria provided, single submitter. Criteria: Invitae Variant Classification Sherloc (09022015). Collection method: clinical testing. Allele origin: germline.
Comment: Algorithms developed to predict the effect of missense changes on protein structure and function are either unavailable or do not agree on the potential impact of this missense change (SIFT: "Deleterious"; PolyPhen-2: "Benign"; Align-GVGD: "Class C45"). In summary, the available evidence is currently insufficient to determine the role of this variant in disease. Therefore, it has been classified as a Variant of Uncertain Significance. This variant has not been reported in the literature in individuals with LMNA-related conditions. This variant is not present in population databases (ExAC no frequency). This sequence change replaces lysine with glutamine at codon 114 of the LMNA protein (p.Lys114Gln). The lysine residue is highly conserved and there is a small physicochemical difference between lysine and glutamine.